The following is an entry in ClinVar:

ClinVar aggregate classification (germline): Uncertain significance (1 of 4 stars; one submission).

Conditions:
Myasthenic syndrome, congenital, 22 (CMS22). Also called: PREPL DEFICIENCY. Identifiers: MedGen C4479088, MONDO:0044299, OMIM 616224.

Allele frequency attached by ClinVar (database versions not stated): gnomAD 0.00001; gnomAD exomes 0.00001 and 0.00003; ExAC 0.00002; TOPMed 0.00003.
gnomAD v4.1: 14 of 1,613,932 alleles (0.00087%); highest among the groups gnomAD compares: East Asian, 0.0067%; no homozygotes.

Submission:

Labcorp Genetics (formerly Invitae), Labcorp
Classification: Uncertain significance for Myasthenic syndrome, congenital, 22. Last evaluated: 2022-09-01. Review status: criteria provided, single submitter. Criteria: Invitae Variant Classification Sherloc (09022015). Collection method: clinical testing. Allele origin: germline.
Comment: This sequence change replaces tyrosine, which is neutral and polar, with histidine, which is basic and polar, at codon 311 of the PREPL protein (p.Tyr311His). This variant is present in population databases (rs764951966, gnomAD 0.02%). This variant has not been reported in the literature in individuals affected with PREPL-related conditions. ClinVar contains an entry for this variant (Variation ID: 1392731). Algorithms developed to predict the effect of missense changes on protein structure and function are either unavailable or do not agree on the potential impact of this missense change (SIFT: "Deleterious"; PolyPhen-2: "Probably Damaging"; Align-GVGD: "Class C0"). In summary, the available evidence is currently insufficient to determine the role of this variant in disease. Therefore, it has been classified as a Variant of Uncertain Significance.

NM_001171613.2(PREPL):c.664T>C (p.Tyr222His)

Gene: PREPL (prolyl endopeptidase like; minus strand). Cytogenetic location: 2p21.
Variant type: single nucleotide variant.
Coding change: c.664T>C on transcript NM_001171613.2 (MANE Select); coding-DNA position 664, T replaced by C.
Protein change: p.Tyr222His; replaces tyrosine 222 with histidine.
Molecular consequence: missense variant.
Genome position (GRCh38, 1-based): chr2:44,339,185, A>G on the plus strand (T>C on the coding strand, the complement: PREPL is on the minus strand). VCF-style: chr2-44339185-A-G. GRCh37 (hg19) VCF-style: chr2-44566324-A-G.
Other names: c.931T>C, p.Tyr311His (NM_001042385.2, NM_001042386.2, NM_001171603.1 and 4 more transcripts); c.664T>C, p.Tyr222His (NM_001171617.1, NM_001374277.1); short protein forms Y311H, Y222H.
Identifiers: ClinVar variation 1392731 (VCV001392731.3), dbSNP rs764951966, ClinGen allele CA1641398.
Genomic context (GRCh38, chr2:44,339,185, plus strand): 5'-AACAACGAGCATCCAGGATTACCTTAAATTCTGTAGGTTCTCCAACATTAGTGAGAATGT[A>G]TAATTCATCATCTCTGTGTTCAACATAGTAAAGGACCCCATGTATTCGCTTCTGGATAAG-3'
Protein context (NP_001165084.1, residues 212-232): YYVEHRDDEL[Tyr222His]ILTNVGEPTE